The following is an entry in ClinVar:

ClinVar aggregate classification (germline): Likely pathogenic (1 of 4 stars; one submission).

Conditions:
Joubert syndrome and related disorders. Identifiers: Orphanet 140874, MedGen C5679612, MONDO:0015369.

Submission:

Women's Health and Genetics/Laboratory Corporation of America, LabCorp
Classification: Likely pathogenic for Joubert syndrome and related disorders. Last evaluated: 2023-01-06. Review status: criteria provided, single submitter. Criteria: LabCorp Variant Classification Summary - May 2015. Collection method: clinical testing. Allele origin: germline.
Comment: Variant summary: KIF14 c.2765_2766delAA (p.Lys922ArgfsX3) results in a premature termination codon, predicted to cause a truncation of the encoded protein or absence of the protein due to nonsense mediated decay, which are commonly known mechanisms for disease. The variant was absent in 251104 control chromosomes (gnomAD). To our knowledge, no occurrence of c.2765_2766delAA in individuals affected with Joubert Syndrome And Related Disorders and no experimental evidence demonstrating its impact on protein function have been reported. No clinical diagnostic laboratories have submitted clinical-significance assessments for this variant to ClinVar after 2014. Based on the evidence outlined above, the variant was classified as likely pathogenic.

NM_014875.3(KIF14):c.2765_2766del (p.Lys922fs)

Gene: KIF14 (kinesin family member 14; minus strand). Cytogenetic location: 1q32.1.
Variant type: Deletion.
Coding change: c.2765_2766del on transcript NM_014875.3 (MANE Select); coding-DNA positions 2765 to 2766, 2 bases deleted (AA; older notation c.2765_2766delAA).
Protein change: p.Lys922fs; shifts the reading frame from lysine 922.
Molecular consequence: frameshift variant.
Genome position (GRCh38, 1-based): chr1:200,592,127-200,592,128, TT deleted on the plus strand (AA on the coding strand, the reverse complement: KIF14 is on the minus strand); deleting any 2 consecutive bases within chr1:200,592,127-200,592,130 gives the same sequence; the c. name uses the placement nearest the transcript's 3' end. VCF-style (leftmost placement, unchanged base first): chr1-200592126-CTT-C. GRCh37 (hg19) VCF-style: chr1-200561254-CTT-C.
Other names: c.1292_1293del, p.Lys431fs (NM_001305792.1); short protein forms K431fs, K922fs.
Identifiers: ClinVar variation 2429249 (VCV002429249.4), dbSNP rs2527565495, ClinGen allele CA2580061849.
Genomic context (GRCh38, chr1:200,592,126, plus strand): 5'-AACAGCATACTTACTGTGATCTCTGTGCCATGAGCAACTCATTTTTTGCAAATTCAAAGT[CTT>C]TTGGACCCTCACTTATAGGAGTATCTCTTCCAGATGGCCTTTTTCCTTTCTGGACTTCTA-3'